The following is an entry in ClinVar:

ClinVar aggregate classification (germline): Uncertain significance (1 of 4 stars; one submission).

Conditions:
Cardiovascular phenotype. Identifiers: MedGen CN230736.

Allele frequency attached by ClinVar (database versions not stated): gnomAD exomes below 0.00001; gnomAD 0.00001.
gnomAD v4.1: 3 of 1,613,194 alleles (0.00019%); highest among the groups gnomAD compares: African/African-American, 0.0027%; no homozygotes.

Submission:

Ambry Genetics
Classification: Uncertain significance for Cardiovascular phenotype. Last evaluated: 2023-02-05. Review status: criteria provided, single submitter. Criteria: Ambry Variant Classification Scheme 2023. Collection method: clinical testing. Allele origin: germline.
Comment: The p.K361E variant (also known as c.1081A>G), located in coding exon 2 of the JPH2 gene, results from an A to G substitution at nucleotide position 1081. The lysine at codon 361 is replaced by glutamic acid, an amino acid with similar properties. This amino acid position is conserved. In addition, the in silico prediction for this alteration is inconclusive. Since supporting evidence is limited at this time, the clinical significance of this alteration remains unclear.

NM_020433.5(JPH2):c.1081A>G (p.Lys361Glu)

Gene: JPH2 (junctophilin 2; minus strand). Cytogenetic location: 20q13.12.
Variant type: single nucleotide variant.
Coding change: c.1081A>G on transcript NM_020433.5 (MANE Select); coding-DNA position 1081, A replaced by G.
Protein change: p.Lys361Glu; replaces lysine 361 with glutamic acid.
Molecular consequence: missense variant.
Genome position (GRCh38, 1-based): chr20:44,159,706, T>C on the plus strand (A>G on the coding strand, the complement: JPH2 is on the minus strand). VCF-style: chr20-44159706-T-C. GRCh37 (hg19) VCF-style: chr20-42788346-T-C.
Other names: short protein forms K361E.
Identifiers: ClinVar variation 2451753 (VCV002451753.2), dbSNP rs1458411742, ClinGen allele CA409092999.